The following is an entry in ClinVar:

ClinVar aggregate classification (germline): Uncertain significance (1 of 4 stars; one submission).

Submission:

Labcorp Genetics (formerly Invitae), Labcorp
Classification: Uncertain significance. Last evaluated: 2025-03-26. Review status: criteria provided, single submitter. Criteria: Invitae Variant Classification Sherloc (09022015). Collection method: clinical testing. Allele origin: germline.
Comment: This sequence change replaces glutamic acid, which is acidic and polar, with glutamine, which is neutral and polar, at codon 1388 of the TOP2B protein (p.Glu1388Gln). This variant is not present in population databases (gnomAD no frequency). This variant has not been reported in the literature in individuals affected with TOP2B-related conditions. An algorithm developed to predict the effect of missense changes on protein structure and function (PolyPhen-2) suggests that this variant is likely to be tolerated. In summary, the available evidence is currently insufficient to determine the role of this variant in disease. Therefore, it has been classified as a Variant of Uncertain Significance.

NM_001330700.2(TOP2B):c.4177G>C (p.Glu1393Gln)

Gene: TOP2B (DNA topoisomerase II beta; minus strand). Cytogenetic location: 3p24.2.
Variant type: single nucleotide variant.
Coding change: c.4177G>C on transcript NM_001330700.2 (MANE Select); coding-DNA position 4177, G replaced by C.
Protein change: p.Glu1393Gln; replaces glutamic acid 1393 with glutamine.
Molecular consequence: missense variant.
Genome position (GRCh38, 1-based): chr3:25,607,292, C>G on the plus strand (G>C on the coding strand, the complement: TOP2B is on the minus strand). VCF-style: chr3-25607292-C-G. GRCh37 (hg19) VCF-style: chr3-25648783-C-G.
Other names: c.4162G>C, p.Glu1388Gln (NM_001068.3); short protein forms E1393Q, E1388Q.
Identifiers: ClinVar variation 4716036 (VCV004716036.1).